The following is an entry in ClinVar:

ClinVar aggregate classification (germline): Uncertain significance. Review status: criteria provided, multiple submitters, no conflicts (2 of 4 stars). 2 submissions from 2 submitters: Uncertain significance (2). Last evaluated 2020-11-25.

Conditions:
Hereditary cancer-predisposing syndrome. Also called: Hereditary Cancer Syndrome; Tumor predisposition; Hereditary neoplastic syndrome; Neoplastic Syndromes, Hereditary. Identifiers: Orphanet 140162, MedGen C0027672, MeSH D009386, MONDO:0015356.
Familial cancer of breast. Also called: hereditary breast carcinoma; Hereditary breast cancer; BREAST CANCER, FAMILIAL. Identifiers: Orphanet 227535, MedGen C0346153, MONDO:0016419, OMIM 114480. Disease mechanism: loss of function.

Allele frequency attached by ClinVar (database versions not stated): gnomAD exomes below 0.00001.
gnomAD v4.1: 1 of 1,612,934 alleles (0.000062%); highest among the groups gnomAD compares: Non-Finnish European, 0.000085%; no homozygotes.

Submissions (2):

Ambry Genetics
Classification: Uncertain significance for Hereditary cancer-predisposing syndrome. Last evaluated: 2020-11-25. Review status: criteria provided, single submitter. Criteria: Ambry Variant Classification Scheme 2023. Collection method: clinical testing. Allele origin: germline.
Comment: The p.L332F variant (also known as c.994C>T), located in coding exon 8 of the CHEK2 gene, results from a C to T substitution at nucleotide position 994. The leucine at codon 332 is replaced by phenylalanine, an amino acid with highly similar properties. This amino acid position is highly conserved in available vertebrate species. In addition, this alteration is predicted to be deleterious by in silico analysis. Since supporting evidence is limited at this time, the clinical significance of this alteration remains unclear.

Labcorp Genetics (formerly Invitae), Labcorp
Classification: Uncertain significance for Familial cancer of breast. Last evaluated: 2020-07-29. Review status: criteria provided, single submitter. Criteria: Invitae Variant Classification Sherloc (09022015). Collection method: clinical testing. Allele origin: germline.
Comment: In summary, the available evidence is currently insufficient to determine the role of this variant in disease. Therefore, it has been classified as a Variant of Uncertain Significance. Algorithms developed to predict the effect of missense changes on protein structure and function are either unavailable or do not agree on the potential impact of this missense change (SIFT: "Deleterious"; PolyPhen-2: "Probably Damaging"; Align-GVGD: "Class C0"). This variant has not been reported in the literature in individuals with CHEK2-related disease. ClinVar contains an entry for this variant (Variation ID: 647008). This sequence change replaces leucine with phenylalanine at codon 332 of the CHEK2 protein (p.Leu332Phe). The leucine residue is highly conserved and there is a small physicochemical difference between leucine and phenylalanine. This variant is not present in population databases (ExAC no frequency).

NM_007194.4(CHEK2):c.994C>T (p.Leu332Phe)

Gene: CHEK2 (checkpoint kinase 2; minus strand). Cytogenetic location: 22q12.1.
Variant type: single nucleotide variant.
Coding change: c.994C>T on transcript NM_007194.4 (MANE Select); coding-DNA position 994, C replaced by T.
Protein change: p.Leu332Phe; replaces leucine 332 with phenylalanine.
Molecular consequence: missense variant.
Genome position (GRCh38, 1-based): chr22:28,699,852, G>A on the plus strand (C>T on the coding strand, the complement: CHEK2 is on the minus strand). VCF-style: chr22-28699852-G-A. GRCh37 (hg19) VCF-style: chr22-29095840-G-A.
Other names: c.1123C>T, p.Leu375Phe (NM_001005735.3); c.331C>T, p.Leu111Phe (NM_001257387.3); c.793C>T, p.Leu265Phe (NM_001349956.3); c.994C>T, p.Leu332Phe (NM_145862.3); short protein forms L265F, L332F, L375F, L111F.
Identifiers: ClinVar variation 647008 (VCV000647008.12), dbSNP rs1555915348, ClinGen allele CA411099432.